The following is an entry in ClinVar:

NM_000059.4(BRCA2):c.4632C>G (p.Asn1544Lys)

Gene: BRCA2 (BRCA2 DNA repair associated; plus strand). Cytogenetic location: 13q13.1.
Variant type: single nucleotide variant.
Coding change: c.4632C>G on transcript NM_000059.4 (MANE Select); coding-DNA position 4632, C replaced by G.
Protein change: p.Asn1544Lys; replaces asparagine 1544 with lysine.
Molecular consequence: missense variant.
Genome position (GRCh38, 1-based): chr13:32,338,987, C>G. VCF-style: chr13-32338987-C-G. GRCh37 (hg19) VCF-style: chr13-32913124-C-G.
Other names: short protein forms N1544K.
Identifiers: ClinVar variation 1336348 (VCV001336348.5), dbSNP rs1593902960, ClinGen allele CA387782107.
Genomic context (GRCh38, chr13:32,338,987, plus strand): 5'-TCATACAGCTAGCGGGAAAAAAGTTAAAATTGCAAAGGAATCTTTGGACAAAGTGAAAAA[C>G]CTTTTTGATGAAAAAGAGCAAGGTACTAGTGAAATCACCAGTTTTAGCCATCAATGGGCA-3'
Protein context (NP_000050.3, residues 1534-1554): IAKESLDKVK[Asn1544Lys]LFDEKEQGTS

ClinVar aggregate classification (germline): Conflicting classifications of pathogenicity. Review status: criteria provided, conflicting classifications (1 of 4 stars). 2 submissions from 2 submitters: Uncertain significance (1); Likely benign (1). Last evaluated 2023-03-23.

Conditions:
Hereditary cancer-predisposing syndrome. Also called: Tumor predisposition; Hereditary Cancer Syndrome; Neoplastic Syndromes, Hereditary; Hereditary neoplastic syndrome. Identifiers: Orphanet 140162, MedGen C0027672, MeSH D009386, MONDO:0015356.

Submissions (2):

University of Washington Department of Laboratory Medicine, University of Washington
Classification: Likely benign for Hereditary cancer-predisposing syndrome. Last evaluated: 2023-03-23. Review status: criteria provided, single submitter. Criteria: Dines et al. (Genet Med. 2020). Collection method: curation. Allele origin: germline.
Comment: Missense variant in a coldspot region where missense variants are very unlikely to be pathogenic (PMID:31911673).

BRCA2 exon 11 coldspot. Reclassification based on statistical prior probability.

Genetic Services Laboratory, University of Chicago
Classification: Uncertain significance. Last evaluated: 2017-11-08. Review status: criteria provided, single submitter. Criteria: ACMG Guidelines, 2015. Collection method: clinical testing. Allele origin: germline. Affected: no.